The following is an entry in ClinVar:

ClinVar aggregate classification (germline): Uncertain significance (1 of 4 stars; one submission).

Conditions:
Intellectual disability. Also called: Intellectual functioning disability; intellectual disabilities; Intellectual developmental disorder. Identifiers: MedGen C3714756, MeSH D008607, MONDO:0001071, HP:0001249.

gnomAD v4.1: 2 of 1,601,168 alleles (0.00012%); highest among the groups gnomAD compares: Middle Eastern, 0.017%; no homozygotes.

Submission:

Labcorp Genetics (formerly Invitae), Labcorp
Classification: Uncertain significance for Intellectual disability. Last evaluated: 2025-09-21. Review status: criteria provided, single submitter. Criteria: Invitae Variant Classification Sherloc (09022015). Collection method: clinical testing. Allele origin: germline.
Comment: This sequence change replaces serine, which is neutral and polar, with proline, which is neutral and non-polar, at codon 14 of the GABRB2 protein (p.Ser14Pro). The frequency data for this variant in the population databases is considered unreliable, as metrics indicate poor data quality at this position in the gnomAD database. This variant has not been reported in the literature in individuals affected with GABRB2-related conditions. Invitae Evidence Modeling of protein sequence and biophysical properties (such as structural, functional, and spatial information, amino acid conservation, physicochemical variation, residue mobility, and thermodynamic stability) indicates that this missense variant is not expected to disrupt GABRB2 protein function with a negative predictive value of 95%. In summary, the available evidence is currently insufficient to determine the role of this variant in disease. Therefore, it has been classified as a Variant of Uncertain Significance.

NM_001371727.1(GABRB2):c.40T>C (p.Ser14Pro)

Gene: GABRB2 (gamma-aminobutyric acid type A receptor subunit beta2; minus strand). Cytogenetic location: 5q34.
Variant type: single nucleotide variant.
Coding change: c.40T>C on transcript NM_001371727.1 (MANE Select); coding-DNA position 40, T replaced by C.
Protein change: p.Ser14Pro; replaces serine 14 with proline.
Molecular consequence: missense variant.
Genome position (GRCh38, 1-based): chr5:161,546,604, A>G on the plus strand (T>C on the coding strand, the complement: GABRB2 is on the minus strand). VCF-style: chr5-161546604-A-G. GRCh37 (hg19) VCF-style: chr5-160973610-A-G.
Other names: c.40T>C, p.Ser14Pro (NM_000813.3, NM_021911.3); short protein forms S14P.
Identifiers: ClinVar variation 4805926 (VCV004805926.1).